The following is an entry in ClinVar:

ClinVar aggregate classification (germline): Uncertain significance. Review status: criteria provided, single submitter (1 of 4 stars). 2 submissions from 1 submitter: Uncertain significance (2). Last evaluated 2022-06-29.

Conditions:
PMM2-congenital disorder of glycosylation. Also called: PMM2-CDG; CDG Ia; Congenital disorder of glycosylation, type Ia; JAEKEN SYNDROME; PHOSPHOMANNOMUTASE 2 DEFICIENCY; CARBOHYDRATE-DEFICIENT GLYCOPROTEIN SYNDROME, TYPE Ia. Identifiers: Orphanet 79318, MedGen C0349653, MONDO:0008907, OMIM 212065.
Gamma-aminobutyric acid transaminase deficiency (GABATD). Also called: GABA transaminase deficiency; Gamma aminobutyrate transaminase deficiency; 4 alpha aminobutyrate transaminase deficiency; GABA aminotransaminase deficiency. Identifiers: Orphanet 2066, MedGen C0342708, MONDO:0013166, OMIM 613163.

Submissions (2):

Labcorp Genetics (formerly Invitae), Labcorp
Classification: Uncertain significance for Gamma-aminobutyric acid transaminase deficiency. Last evaluated: 2022-06-29. Review status: criteria provided, single submitter. Criteria: Invitae Variant Classification Sherloc (09022015). Collection method: clinical testing. Allele origin: unknown.
Comment: This variant has not been reported in the literature in individuals affected with ABAT-related conditions. This variant results in a copy number gain of the genomic region encompassing exon(s) 5-16 of the ABAT gene. This region includes the termination codon of the gene. This copy number gain extends beyond the assayed region for this gene and therefore may encompass additional genes. As the precise location of this event is unknown, it may be in tandem or it may be located elsewhere in the genome. In summary, the available evidence is currently insufficient to determine the role of this variant in disease. Therefore, it has been classified as a Variant of Uncertain Significance.

Labcorp Genetics (formerly Invitae), Labcorp
Classification: Uncertain significance for PMM2-congenital disorder of glycosylation. Last evaluated: 2019-12-19. Review status: criteria provided, single submitter. Criteria: Invitae Variant Classification Sherloc (09022015). Collection method: clinical testing. Allele origin: germline.
Comment: This variant results in a copy number gain of the genomic region encompassing exons 1-2 of the PMM2 gene, which includes the initiator codon. The 5' end of this event is unknown as it extends beyond the assayed region for this gene and therefore may encompass additional genes. The 3' boundary is likely confined to intron 2 of the PMM2 gene. As the precise location of this event is unknown, it may be in tandem or it may be located elsewhere in the genome. This variant has not been reported in the literature in individuals with PMM2-related conditions. In summary, the available evidence is currently insufficient to determine the role of this variant in disease. Therefore, it has been classified as a Variant of Uncertain Significance.

NC_000016.10:g.(?_8750402)_(8801930_?)dup

Genes: TMEM186 (transmembrane protein 186; minus strand), ABAT (4-aminobutyrate aminotransferase; plus strand), PMM2 (phosphomannomutase 2; plus strand). Cytogenetic location: 16p13.2.
Variant type: Duplication.
Identifiers: ClinVar variation 831672 (VCV000831672.3).